The following is an entry in ClinVar:

ClinVar aggregate classification (germline): Uncertain significance (1 of 4 stars; one submission).

Conditions:
Inborn genetic diseases. Identifiers: MedGen C0950123, MeSH D030342.

Submission:

Ambry Genetics
Classification: Uncertain significance for Inborn genetic diseases. Last evaluated: 2026-03-19. Review status: criteria provided, single submitter. Criteria: Ambry Variant Classification Scheme 2023. Collection method: clinical testing. Allele origin: germline.
Comment: The c.3239T>G (p.M1080R) alteration is located in exon 5 (coding exon 3) of the ADNP gene. This alteration results from a T to G substitution at nucleotide position 3239, causing the methionine (M) at amino acid position 1080 to be replaced by an arginine (R). Based on data from gnomAD, the G allele has an overall frequency of <0.001% (1/250134) total alleles studied. The highest observed frequency was <0.001% (/) of alleles. Based on insufficient or conflicting evidence, the clinical significance of this alteration remains unclear.

NM_001282531.3(ADNP):c.3239T>G (p.Met1080Arg)

Gene: ADNP (activity dependent neuroprotector homeobox; minus strand). Cytogenetic location: 20q13.13.
Variant type: single nucleotide variant.
Coding change: c.3239T>G on transcript NM_001282531.3 (MANE Select); coding-DNA position 3239, T replaced by G.
Protein change: p.Met1080Arg; replaces methionine 1080 with arginine.
Molecular consequence: missense variant.
Genome position (GRCh38, 1-based): chr20:50,891,475, A>C on the plus strand (T>G on the coding strand, the complement: ADNP is on the minus strand). VCF-style: chr20-50891475-A-C. GRCh37 (hg19) VCF-style: chr20-49508012-A-C.
Other names: c.3239T>G, p.Met1080Arg (NM_001282532.2, NM_001347511.2, NM_015339.5 and 1 more transcripts); c.3455T>G, p.Met1152Arg (NM_001439000.1); c.2555T>G, p.Met852Arg (NM_001439001.1); short protein forms M1080R, M1152R, M852R.
Identifiers: ClinVar variation 4868043 (VCV004868043.1).